The following is an entry in ClinVar:

ClinVar aggregate classification (germline): Pathogenic (1 of 4 stars; one submission).

Conditions:
Arrhythmogenic cardiomyopathy with wooly hair and keratoderma. Also called: PALMOPLANTAR KERATODERMA WITH LEFT VENTRICULAR CARDIOMYOPATHY AND WOOLLY HAIR; Carvajal syndrome; Dilated cardiomyopathy with woolly hair and keratoderma; Arrhythmogenic cardiomyopathy with woolly hair and keratoderma. Identifiers: Orphanet 65282, MedGen C1854063, MONDO:0011581, OMIM 605676.
Arrhythmogenic right ventricular dysplasia 8 (ARVD8). Also called: Arrhythmogenic Right Ventricular Dysplasia/Cardiomyopathy 8; ARRHYTHMOGENIC RIGHT VENTRICULAR DYSPLASIA, FAMILIAL, 8; ARRHYTHMOGENIC RIGHT VENTRICULAR CARDIOMYOPATHY 8. Identifiers: MedGen C1843896, MONDO:0011831, OMIM 607450.

Submission:

Labcorp Genetics (formerly Invitae), Labcorp
Classification: Pathogenic for Arrhythmogenic cardiomyopathy with wooly hair and keratoderma; Arrhythmogenic right ventricular dysplasia 8. Last evaluated: 2024-11-05. Review status: criteria provided, single submitter. Criteria: Invitae Variant Classification Sherloc (09022015). Collection method: clinical testing. Allele origin: germline.
Comment: This sequence change creates a premature translational stop signal (p.Glu325Serfs*5) in the DSP gene. It is expected to result in an absent or disrupted protein product. Loss-of-function variants in DSP are known to be pathogenic (PMID: 20716751, 24503780, 25227139). This variant is not present in population databases (gnomAD no frequency). This variant has not been reported in the literature in individuals affected with DSP-related conditions. For these reasons, this variant has been classified as Pathogenic.

Literature cited by the submitters: PubMed 20716751; PubMed 24503780; PubMed 25227139.

NM_004415.4(DSP):c.972del (p.Glu325fs)

Gene: DSP (desmoplakin; plus strand). Cytogenetic location: 6p24.3.
Variant type: Deletion.
Coding change: c.972del on transcript NM_004415.4 (MANE Select); coding-DNA position 972, one base deleted (A; older notation c.972delA).
Protein change: p.Glu325fs; shifts the reading frame from glutamic acid 325.
Molecular consequence: frameshift variant.
Genome position (GRCh38, 1-based): chr6:7,566,409, A deleted; the last of 5 consecutive A bases (chr6:7,566,405-7,566,409); deleting any one gives the same sequence. VCF-style (leftmost placement, unchanged base first): chr6-7566404-GA-G. GRCh37 (hg19) VCF-style: chr6-7566637-GA-G.
Other names: c.972del, p.Glu325fs (NM_001008844.3, NM_001319034.2, NM_001406591.1); short protein forms E325fs.
Identifiers: ClinVar variation 3759659 (VCV003759659.2).